The following is an entry in ClinVar:

NM_000069.3(CACNA1S):c.3427T>C (p.Ser1143Pro)

Gene: CACNA1S (calcium voltage-gated channel subunit alpha1 S; minus strand). Cytogenetic location: 1q32.1.
Variant type: single nucleotide variant.
Coding change: c.3427T>C on transcript NM_000069.3 (MANE Select); coding-DNA position 3427, T replaced by C.
Protein change: p.Ser1143Pro; replaces serine 1143 with proline.
Molecular consequence: missense variant.
Genome position (GRCh38, 1-based): chr1:201,059,287, A>G on the plus strand (T>C on the coding strand, the complement: CACNA1S is on the minus strand). VCF-style: chr1-201059287-A-G. GRCh37 (hg19) VCF-style: chr1-201028415-A-G.
Other names: short protein forms S1143P.
Identifiers: ClinVar variation 1898693 (VCV001898693.6), dbSNP rs2464490028, ClinGen allele CA344158882.

ClinVar aggregate classification (germline): Uncertain significance. Review status: criteria provided, multiple submitters, no conflicts (2 of 4 stars). 2 submissions from 2 submitters: Uncertain significance (2). Last evaluated 2024-05-21.

Conditions:
Hypokalemic periodic paralysis, type 1. Also called: Hypokalemic Periodic Paralysis Type 1 (AD); HypoPP. Identifiers: Orphanet 681, MedGen C3714580, MONDO:0042979, OMIM 170400.
Malignant hyperthermia, susceptibility to, 5 (MHS5). Also called: CACNA1S-Related Malignant Hyperthermia Susceptibility. Identifiers: Orphanet 423, MedGen C1866077, MONDO:0011163, OMIM 601887.
Thyrotoxic periodic paralysis, susceptibility to, 1 (TTPP1). Identifiers: Orphanet 79102, MedGen C2749982, MONDO:0008570, OMIM 188580.
Congenital myopathy 18. Also called: Myopathy, congenital, due to dihydropyridine receptor defect; DIHYDROPYRIDINE RECEPTOR CONGENITAL MYOPATHY; DHPR CONGENITAL MYOPATHY. Identifiers: MedGen C5830283, MONDO:0859514, OMIM 620246.

Submissions (2):

Fulgent Genetics
Classification: Uncertain significance for Hypokalemic periodic paralysis, type 1; Thyrotoxic periodic paralysis, susceptibility to, 1; Malignant hyperthermia, susceptibility to, 5; Congenital myopathy 18. Last evaluated: 2024-05-21. Review status: criteria provided, single submitter. Criteria: ACMG Guidelines, 2015. Collection method: clinical testing. Allele origin: germline.

Labcorp Genetics (formerly Invitae), Labcorp
Classification: Uncertain significance for Hypokalemic periodic paralysis, type 1; Malignant hyperthermia, susceptibility to, 5. Last evaluated: 2022-04-20. Review status: criteria provided, single submitter. Criteria: Invitae Variant Classification Sherloc (09022015). Collection method: clinical testing. Allele origin: germline.
Comment: In summary, the available evidence is currently insufficient to determine the role of this variant in disease. Therefore, it has been classified as a Variant of Uncertain Significance. Advanced modeling of protein sequence and biophysical properties (such as structural, functional, and spatial information, amino acid conservation, physicochemical variation, residue mobility, and thermodynamic stability) performed at Invitae indicates that this missense variant is not expected to disrupt CACNA1S protein function. This variant has not been reported in the literature in individuals affected with CACNA1S-related conditions. This variant is not present in population databases (gnomAD no frequency). This sequence change replaces serine, which is neutral and polar, with proline, which is neutral and non-polar, at codon 1143 of the CACNA1S protein (p.Ser1143Pro).